The following is an entry in ClinVar:

NM_018993.4(RIN2):c.190G>A (p.Glu64Lys)

Gene: RIN2 (Ras and Rab interactor 2; plus strand). Cytogenetic location: 20p11.23.
Variant type: single nucleotide variant.
Coding change: c.190G>A on transcript NM_018993.4 (MANE Select); coding-DNA position 190, G replaced by A.
Protein change: p.Glu64Lys; replaces glutamic acid 64 with lysine.
Molecular consequence: missense variant. On other transcripts: 5 prime UTR variant (1).
Genome position (GRCh38, 1-based): chr20:19,956,646, G>A. VCF-style: chr20-19956646-G-A. GRCh37 (hg19) VCF-style: chr20-19937290-G-A.
Other names: c.337G>A, p.Glu113Lys (NM_001242581.2); c.-356G>A (NM_001378238.1); short protein forms E113K, E64K.
Identifiers: ClinVar variation 2040094 (VCV002040094.1), dbSNP rs372148044, ClinGen allele CA9779757.

ClinVar aggregate classification (germline): Uncertain significance (1 of 4 stars; one submission).

Allele frequency attached by ClinVar (database versions not stated): ExAC 0.00001; gnomAD 0.00004; TOPMed 0.00004; ESP Exome Variant Server 0.00008.
gnomAD v4.1: 23 of 1,613,314 alleles (0.0014%); highest among the groups gnomAD compares: African/African-American, 0.004%; no homozygotes.

Submission:

Labcorp Genetics (formerly Invitae), Labcorp
Classification: Uncertain significance. Last evaluated: 2022-10-04. Review status: criteria provided, single submitter. Criteria: Invitae Variant Classification Sherloc (09022015). Collection method: clinical testing. Allele origin: germline.
Comment: This sequence change replaces glutamic acid, which is acidic and polar, with lysine, which is basic and polar, at codon 64 of the RIN2 protein (p.Glu64Lys). This variant is present in population databases (rs372148044, gnomAD 0.01%). This variant has not been reported in the literature in individuals affected with RIN2-related conditions. Algorithms developed to predict the effect of missense changes on protein structure and function are either unavailable or do not agree on the potential impact of this missense change (SIFT: "Deleterious"; PolyPhen-2: "Not Available"; Align-GVGD: "Class C0"). In summary, the available evidence is currently insufficient to determine the role of this variant in disease. Therefore, it has been classified as a Variant of Uncertain Significance.